The following is an entry in ClinVar:

NM_004006.3(DMD):c.5593A>G (p.Arg1865Gly)

Gene: DMD (dystrophin; minus strand). Cytogenetic location: Xp21.1.
Variant type: single nucleotide variant.
Coding change: c.5593A>G on transcript NM_004006.3 (MANE Select); coding-DNA position 5593, A replaced by G.
Protein change: p.Arg1865Gly; replaces arginine 1865 with glycine.
Molecular consequence: missense variant.
Genome position (GRCh38, 1-based): chrX:32,343,280, T>C on the plus strand (A>G on the coding strand, the complement: DMD is on the minus strand). VCF-style: chrX-32343280-T-C. GRCh37 (hg19) VCF-style: chrX-32361397-T-C.
Other names: c.5569A>G, p.Arg1857Gly (NM_000109.4); c.5581A>G, p.Arg1861Gly (NM_004009.3); c.5224A>G, p.Arg1742Gly (NM_004010.3); c.1570A>G, p.Arg524Gly (NM_004011.4); c.1561A>G, p.Arg521Gly (NM_004012.4); short protein forms R521G, R1857G, R1861G, R1865G, R524G, R1742G.
Identifiers: ClinVar variation 2075122 (VCV002075122.4), dbSNP rs1326167742, ClinGen allele CA412666499.
Genomic context (GRCh38, chrX:32,343,280, plus strand): 5'-GCCTCTTGTACTGATACCACTGATGAGAAATTTCTAGAGCCTTTTTTCTTCTTTGAGACC[T>C]CAAATCCTGTTCATGGTGCAGACATTATTAAAATATCAATATATATGTATAGTGCACTTC-3'
Protein context (NP_003997.2, residues 1855-1875): QTKHNALKDL[Arg1865Gly]SQRRKKALEI

ClinVar aggregate classification (germline): Uncertain significance (1 of 4 stars; one submission).

Conditions:
Duchenne muscular dystrophy (DMD). Also called: MUSCULAR DYSTROPHY, PSEUDOHYPERTROPHIC PROGRESSIVE, DUCHENNE TYPE; Duchenne Muscular Dystrophy (DMD). Identifiers: Orphanet 98896, MedGen C0013264, MONDO:0010679, OMIM 310200.

Submission:

Labcorp Genetics (formerly Invitae), Labcorp
Classification: Uncertain significance for Duchenne muscular dystrophy. Last evaluated: 2022-01-05. Review status: criteria provided, single submitter. Criteria: Invitae Variant Classification Sherloc (09022015). Collection method: clinical testing. Allele origin: germline.
Comment: In summary, the available evidence is currently insufficient to determine the role of this variant in disease. Therefore, it has been classified as a Variant of Uncertain Significance. Algorithms developed to predict the effect of missense changes on protein structure and function are either unavailable or do not agree on the potential impact of this missense change (SIFT: "Deleterious"; PolyPhen-2: "Benign"; Align-GVGD: "Class C0"). This variant has not been reported in the literature in individuals affected with DMD-related conditions. This variant is not present in population databases (gnomAD no frequency). This sequence change replaces arginine, which is basic and polar, with glycine, which is neutral and non-polar, at codon 1865 of the DMD protein (p.Arg1865Gly).